The following is an entry in ClinVar:

NM_000789.4(ACE):c.3221G>A (p.Trp1074Ter)

Gene: ACE (angiotensin I converting enzyme; plus strand). Cytogenetic location: 17q23.3.
Variant type: single nucleotide variant.
Coding change: c.3221G>A on transcript NM_000789.4 (MANE Select); coding-DNA position 3221, G replaced by A.
Protein change: p.Trp1074Ter; replaces tryptophan 1074 with a stop codon.
Molecular consequence: nonsense. On other transcripts: non-coding transcript variant (1).
Genome position (GRCh38, 1-based): chr17:63,494,006, G>A. VCF-style: chr17-63494006-G-A. GRCh37 (hg19) VCF-style: chr17-61571367-G-A.
Other names: c.1499G>A, p.Trp500Ter (NM_001178057.2, NM_152830.3); c.2654G>A, p.Trp885Ter (NM_001382700.1); c.2369G>A, p.Trp790Ter (NM_001382701.1); c.959G>A, p.Trp320Ter (NM_001382702.1); short protein forms W1074*, W790*, W885*, W320*, W500*.
Identifiers: ClinVar variation 2738638 (VCV002738638.3), dbSNP rs1266895232, ClinGen allele CA400562851.

ClinVar aggregate classification (germline): Pathogenic (1 of 4 stars; one submission).

Allele frequency attached by ClinVar (database versions not stated): gnomAD exomes below 0.00001; gnomAD 0.00001; TOPMed 0.00001.
gnomAD v4.1: 4 of 1,614,022 alleles (0.00025%); highest among the groups gnomAD compares: African/African-American, 0.0013%; no homozygotes.

Submission:

Labcorp Genetics (formerly Invitae), Labcorp
Classification: Pathogenic. Last evaluated: 2023-09-19. Review status: criteria provided, single submitter. Criteria: Invitae Variant Classification Sherloc (09022015). Collection method: clinical testing. Allele origin: germline.
Comment: This sequence change creates a premature translational stop signal (p.Trp1074*) in the ACE gene. It is expected to result in an absent or disrupted protein product. Loss-of-function variants in ACE are known to be pathogenic (PMID: 22095942). This variant is present in population databases (no rsID available, gnomAD 0.002%). This variant has not been reported in the literature in individuals affected with ACE-related conditions. For these reasons, this variant has been classified as Pathogenic.

Literature cited by the submitters: PubMed 22095942.